The following is an entry in ClinVar:

NM_001903.5(CTNNA1):c.1144-15C>G

Gene: CTNNA1 (catenin alpha 1; plus strand). Cytogenetic location: 5q31.2.
Variant type: single nucleotide variant.
Coding change: c.1144-15C>G on transcript NM_001903.5 (MANE Select); 15 bases into the intron before coding-DNA position 1144, C replaced by G.
Molecular consequence: intron variant.
Genome position (GRCh38, 1-based): chr5:138,887,475, C>G. VCF-style: chr5-138887475-C-G. GRCh37 (hg19) VCF-style: chr5-138223164-C-G.
Other names: c.1144-15C>G (NM_001323982.2, NM_001323984.2, NM_001290307.3 and 3 more transcripts); c.775-15C>G (NM_001290310.3); c.835-15C>G (NM_001290309.3); c.34-15C>G (NM_001323996.1, NM_001323993.1, NM_001324005.1 and 18 more transcripts); c.-364-15C>G (NM_001324007.1, NM_001324009.1, NM_001324006.1 and 1 more transcripts); c.-239-15C>G (NM_001324013.1); c.-58+11878C>G (NM_001324012.1); c.-61+11878C>G (NM_001324010.1).
Identifiers: ClinVar variation 2045306 (VCV002045306.4), dbSNP rs1223004983, ClinGen allele CA2580072884.

ClinVar aggregate classification (germline): Uncertain significance (1 of 4 stars; one submission).

Submission:

Labcorp Genetics (formerly Invitae), Labcorp
Classification: Uncertain significance. Last evaluated: 2021-12-17. Review status: criteria provided, single submitter. Criteria: Invitae Variant Classification Sherloc (09022015). Collection method: clinical testing. Allele origin: germline.
Comment: This sequence change falls in intron 8 of the CTNNA1 gene. It does not directly change the encoded amino acid sequence of the CTNNA1 protein. This variant is not present in population databases (gnomAD no frequency). This variant has not been reported in the literature in individuals affected with CTNNA1-related conditions. Algorithms developed to predict the effect of sequence changes on RNA splicing suggest that this variant may create or strengthen a splice site. In summary, the available evidence is currently insufficient to determine the role of this variant in disease. Therefore, it has been classified as a Variant of Uncertain Significance.